The following is an entry in ClinVar:

ClinVar aggregate classification (germline): Pathogenic/Likely pathogenic. Review status: criteria provided, multiple submitters, no conflicts (2 of 4 stars). 3 submissions from 3 submitters: Pathogenic (1); Likely pathogenic (1). 1 of the submissions does not count toward it. Last evaluated 2024-04-10.

Conditions:
Short-rib thoracic dysplasia 10 with or without polydactyly (SRTD10). Identifiers: Orphanet 474, MedGen C3810175, MONDO:0014284, OMIM 615630.
Retinitis pigmentosa 71 (RP71). Identifiers: Orphanet 791, MedGen C4225342, MONDO:0014618, OMIM 616394.
Short-rib thoracic dysplasia 10 with polydactyly. Identifiers: MedGen C4017085.
IFT172-related disorder. Also called: IFT172-related disorders; IFT172-related condition.

Allele frequency attached by ClinVar (database versions not stated): gnomAD exomes 0.00001; TOPMed 0.00001.
gnomAD v4.1: 16 of 1,614,164 alleles (0.00099%); highest among the groups gnomAD compares: Middle Eastern, 0.016%; no homozygotes.

Submissions (3):

Labcorp Genetics (formerly Invitae), Labcorp
Classification: Pathogenic for Retinitis pigmentosa 71; Short-rib thoracic dysplasia 10 with or without polydactyly. Last evaluated: 2024-04-10. Review status: criteria provided, single submitter. Criteria: Invitae Variant Classification Sherloc (09022015). Collection method: clinical testing. Allele origin: germline.
Comment: This sequence change creates a premature translational stop signal (p.Arg1303*) in the IFT172 gene. It is expected to result in an absent or disrupted protein product. Loss-of-function variants in IFT172 are known to be pathogenic (PMID: 24140113). This variant is present in population databases (no rsID available, gnomAD 0.006%). This premature translational stop signal has been observed in individual(s) with asphyxiating thoracic dystrophy (PMID: 24140113). ClinVar contains an entry for this variant (Variation ID: 97033). For these reasons, this variant has been classified as Pathogenic.

Blueprint Genetics
Classification: Likely pathogenic for IFT172-related disorders. Last evaluated: 2023-02-01. Review status: criteria provided, single submitter. Criteria: ACMG Guidelines, 2015. Collection method: clinical testing. Allele origin: germline. Affected: yes. Observed: 1 variant allele.

OMIM
Classification: Pathogenic for SHORT-RIB THORACIC DYSPLASIA 10 WITH POLYDACTYLY. Last evaluated: 2013-11-07. Review status: no assertion criteria provided. Collection method: literature only. Allele origin: germline. Not counted in ClinVar's aggregate classification.

Literature cited by the submitters: PubMed 24140113 (cited by Labcorp Genetics (formerly Invitae), Labcorp and OMIM).

NM_015662.3(IFT172):c.3907C>T (p.Arg1303Ter)

Genes: IFT172 (intraflagellar transport 172; minus strand), LOC126806173 (BRD4-independent group 4 enhancer GRCh37_chr2:27676057-27677256; plus strand). Cytogenetic location: 2p23.3.
Variant type: single nucleotide variant.
Coding change: c.3907C>T on transcript NM_015662.3 (MANE Select); coding-DNA position 3907, C replaced by T.
Protein change: p.Arg1303Ter; replaces arginine 1303 with a stop codon.
Molecular consequence: nonsense.
Genome position (GRCh38, 1-based): chr2:27,453,428, G>A on the plus strand (C>T on the coding strand, the complement: IFT172 is on the minus strand). VCF-style: chr2-27453428-G-A. GRCh37 (hg19) VCF-style: chr2-27676295-G-A.
Other names: short protein forms R1303*.
Identifiers: ClinVar variation 97033 (VCV000097033.10), dbSNP rs587777087, ClinGen allele CA149735.